The following is an entry in ClinVar:

NM_006514.4(SCN10A):c.5724A>T (p.Lys1908Asn)

Gene: SCN10A (sodium voltage-gated channel alpha subunit 10; minus strand). Cytogenetic location: 3p22.2.
Variant type: single nucleotide variant.
Coding change: c.5724A>T on transcript NM_006514.4 (MANE Select); coding-DNA position 5724, A replaced by T.
Protein change: p.Lys1908Asn; replaces lysine 1908 with asparagine.
Molecular consequence: missense variant.
Genome position (GRCh38, 1-based): chr3:38,697,496, T>A on the plus strand (A>T on the coding strand, the complement: SCN10A is on the minus strand). VCF-style: chr3-38697496-T-A. GRCh37 (hg19) VCF-style: chr3-38738987-T-A.
Other names: c.5721A>T, p.Lys1907Asn (NM_001293306.2); c.5430A>T, p.Lys1810Asn (NM_001293307.2); c.5724A>T (NM_006514.2); short protein forms K1908N, K1810N, K1907N.
Identifiers: ClinVar variation 1501483 (VCV001501483.9), dbSNP rs555184897, ClinGen allele CA352152483.
Genomic context (GRCh38, chr3:38,697,496, plus strand): 5'-AAGGCCTCTAGTGACACTCTCATAGGACGGTGGGAATGATGTGGCAGAAGCAGTTTCAGA[T>A]TTGTCTGGGAGTACACAATTTTCATTTGCTGTGAATGCAACAAAACCTTCATCTGGGAGT-3'
Protein context (NP_006505.4, residues 1898-1918): TANENCVLPD[Lys1908Asn]SETASATSFP

ClinVar aggregate classification (germline): Uncertain significance. Review status: criteria provided, multiple submitters, no conflicts (2 of 4 stars). 2 submissions from 2 submitters: Uncertain significance (2). Last evaluated 2023-06-02.

Conditions:
Brugada syndrome. Also called: Sudden unexpected nocturnal death syndrome; Sudden unexplained nocturnal death syndrome; Sudden Unexplained Death Syndrome; Sudden Unexplained Nocturnal Death Syndrome (SUNDS). Identifiers: Orphanet 130, MedGen C1142166, MONDO:0015263.

gnomAD v4.1: 1 of 1,614,054 alleles (0.000062%); highest among the groups gnomAD compares: East Asian, 0.0022%; no homozygotes.

Submissions (2):

GeneDx
Classification: Uncertain significance. Last evaluated: 2023-06-02. Review status: criteria provided, single submitter. Criteria: GeneDx Variant Classification Process June 2021. Collection method: clinical testing. Allele origin: germline. Affected: yes.
Comment: Not observed at significant frequency in large population cohorts (gnomAD); In silico analysis supports that this missense variant does not alter protein structure/function; Has not been previously published as pathogenic or benign to our knowledge

Labcorp Genetics (formerly Invitae), Labcorp
Classification: Uncertain significance for Brugada syndrome. Last evaluated: 2021-03-23. Review status: criteria provided, single submitter. Criteria: Invitae Variant Classification Sherloc (09022015). Collection method: clinical testing. Allele origin: germline.
Comment: This sequence change replaces lysine with asparagine at codon 1908 of the SCN10A protein (p.Lys1908Asn). The lysine residue is moderately conserved and there is a moderate physicochemical difference between lysine and asparagine. This variant is not present in population databases (ExAC no frequency). This variant has not been reported in the literature in individuals with SCN10A-related conditions. Advanced modeling of protein sequence and biophysical properties (such as structural, functional, and spatial information, amino acid conservation, physicochemical variation, residue mobility, and thermodynamic stability) performed at Invitae indicates that this missense variant is not expected to disrupt SCN10A protein function. In summary, the available evidence is currently insufficient to determine the role of this variant in disease. Therefore, it has been classified as a Variant of Uncertain Significance.